The following is an entry in ClinVar:

ClinVar aggregate classification (germline): Uncertain significance (1 of 4 stars; one submission).

Conditions:
Epileptic encephalopathy. Identifiers: MedGen C0543888, HP:0200134.

Allele frequency attached by ClinVar (database versions not stated): gnomAD 0.00001; ExAC 0.00002.
gnomAD v4.1: 7 of 1,613,894 alleles (0.00043%); highest among the groups gnomAD compares: African/African-American, 0.0053%; 1 homozygote.

Submission:

Labcorp Genetics (formerly Invitae), Labcorp
Classification: Uncertain significance for Epileptic encephalopathy. Last evaluated: 2022-07-26. Review status: criteria provided, single submitter. Criteria: Invitae Variant Classification Sherloc (09022015). Collection method: clinical testing. Allele origin: germline.
Comment: In summary, the available evidence is currently insufficient to determine the role of this variant in disease. Therefore, it has been classified as a Variant of Uncertain Significance. Algorithms developed to predict the effect of missense changes on protein structure and function are either unavailable or do not agree on the potential impact of this missense change (SIFT: "Deleterious"; PolyPhen-2: "Benign"; Align-GVGD: "Class C0"). ClinVar contains an entry for this variant (Variation ID: 583147). This variant has not been reported in the literature in individuals affected with RYR3-related conditions. This variant is present in population databases (rs780704306, gnomAD 0.007%). This sequence change replaces aspartic acid, which is acidic and polar, with glutamic acid, which is acidic and polar, at codon 3972 of the RYR3 protein (p.Asp3972Glu).

NM_001036.6(RYR3):c.11916C>A (p.Asp3972Glu)

Gene: RYR3 (ryanodine receptor 3; plus strand). Cytogenetic location: 15q14.
Variant type: single nucleotide variant.
Coding change: c.11916C>A on transcript NM_001036.6 (MANE Select); coding-DNA position 11916, C replaced by A.
Protein change: p.Asp3972Glu; replaces aspartic acid 3972 with glutamic acid.
Molecular consequence: missense variant.
Genome position (GRCh38, 1-based): chr15:33,837,896, C>A. VCF-style: chr15-33837896-C-A. GRCh37 (hg19) VCF-style: chr15-34130097-C-A.
Other names: c.11901C>A, p.Asp3967Glu (NM_001243996.4); short protein forms D3972E, D3967E.
Identifiers: ClinVar variation 583147 (VCV000583147.10), dbSNP rs780704306, ClinGen allele CA7461321.
Genomic context (GRCh38, chr15:33,837,896, plus strand): 5'-ACAGTACACGCAGTCAGAGATTGACTTTCTCCTGTCGTGTGCAGAAGCTGATGAGAATGA[C>A]ATGTTTAATTACGTTGATTTTGTAGACCGGTTCCATGAGCCAGCCAAGGACATAGGGTTT-3'
Protein context (NP_001027.3, residues 3962-3982): LLSCAEADEN[Asp3972Glu]MFNYVDFVDR